The following is an entry in ClinVar:

ClinVar aggregate classification (germline): Uncertain significance (1 of 4 stars; one submission).

Conditions:
Ehlers-Danlos syndrome, classic type, 1 (EDSCL1). Also called: EHLERS-DANLOS SYNDROME, GRAVIS TYPE; EHLERS-DANLOS SYNDROME, SEVERE CLASSIC TYPE; Ehlers-Danlos syndrome, type 1; Ehlers-Danlos Syndrome, Classic Type, COL5A1-Related; EDS I. Identifiers: MedGen C0268335, MONDO:0019567, OMIM 130000.

Submission:

Labcorp Genetics (formerly Invitae), Labcorp
Classification: Uncertain significance for Ehlers-Danlos syndrome, classic type, 1. Last evaluated: 2023-07-13. Review status: criteria provided, single submitter. Criteria: Invitae Variant Classification Sherloc (09022015). Collection method: clinical testing. Allele origin: germline.
Comment: In summary, the available evidence is currently insufficient to determine the role of this variant in disease. Therefore, it has been classified as a Variant of Uncertain Significance. This variant is not present in population databases (gnomAD no frequency). This variant has not been reported in the literature in individuals affected with COL5A2-related conditions. Advanced modeling of protein sequence and biophysical properties (such as structural, functional, and spatial information, amino acid conservation, physicochemical variation, residue mobility, and thermodynamic stability) performed at Invitae indicates that this missense variant is not expected to disrupt COL5A2 protein function. This sequence change replaces aspartic acid, which is acidic and polar, with asparagine, which is neutral and polar, at codon 81 of the COL5A2 protein (p.Asp81Asn).

NM_000393.5(COL5A2):c.241G>A (p.Asp81Asn)

Gene: COL5A2 (collagen type V alpha 2 chain; minus strand). Cytogenetic location: 2q32.2.
Variant type: single nucleotide variant.
Coding change: c.241G>A on transcript NM_000393.5 (MANE Select); coding-DNA position 241, G replaced by A.
Protein change: p.Asp81Asn; replaces aspartic acid 81 with asparagine.
Molecular consequence: missense variant.
Genome position (GRCh38, 1-based): chr2:189,110,306, C>T on the plus strand (G>A on the coding strand, the complement: COL5A2 is on the minus strand). VCF-style: chr2-189110306-C-T. GRCh37 (hg19) VCF-style: chr2-189975032-C-T.
Other names: short protein forms D81N.
Identifiers: ClinVar variation 2802519 (VCV002802519.3), dbSNP rs2469425124, ClinGen allele CA349867832.
Genomic context (GRCh38, chr2:189,110,306, plus strand): 5'-CAGGTGTTTGTGAACAGACAGGACAGCATTCCCCAGGGGGCGTTACAGGGTCGGCACAGT[C>T]CAGCACATCCTGGCATTCTATCTTGTCACAGAGAATGGCTCCATTGTCACAGACACAGAT-3'
Protein context (NP_000384.2, residues 71-91): CDKIECQDVL[Asp81Asn]CADPVTPPGE